The following is an entry in ClinVar:

ClinVar aggregate classification (germline): Uncertain significance (1 of 4 stars; one submission).

Allele frequency attached by ClinVar (database versions not stated): gnomAD exomes 0.00001; TOPMed 0.00001; ExAC 0.00002.
gnomAD v4.1: 12 of 1,607,390 alleles (0.00075%); highest among the groups gnomAD compares: Admixed American, 0.015%; no homozygotes.

Submission:

Labcorp Genetics (formerly Invitae), Labcorp
Classification: Uncertain significance. Last evaluated: 2022-05-03. Review status: criteria provided, single submitter. Criteria: Invitae Variant Classification Sherloc (09022015). Collection method: clinical testing. Allele origin: germline.
Comment: This sequence change replaces glutamic acid, which is acidic and polar, with glutamine, which is neutral and polar, at codon 83 of the PPIB protein (p.Glu83Gln). This variant is present in population databases (rs750682454, gnomAD 0.01%). This variant has not been reported in the literature in individuals affected with PPIB-related conditions. Algorithms developed to predict the effect of missense changes on protein structure and function are either unavailable or do not agree on the potential impact of this missense change (SIFT: "Tolerated"; PolyPhen-2: "Possibly Damaging"; Align-GVGD: "Class C0"). In summary, the available evidence is currently insufficient to determine the role of this variant in disease. Therefore, it has been classified as a Variant of Uncertain Significance.

NM_000942.5(PPIB):c.247G>C (p.Glu83Gln)

Gene: PPIB (peptidylprolyl isomerase B; minus strand). Cytogenetic location: 15q22.31.
Variant type: single nucleotide variant.
Coding change: c.247G>C on transcript NM_000942.5 (MANE Select); coding-DNA position 247, G replaced by C.
Protein change: p.Glu83Gln; replaces glutamic acid 83 with glutamine.
Molecular consequence: missense variant.
Genome position (GRCh38, 1-based): chr15:64,162,043, C>G on the plus strand (G>C on the coding strand, the complement: PPIB is on the minus strand). VCF-style: chr15-64162043-C-G. GRCh37 (hg19) VCF-style: chr15-64454242-C-G.
Other names: short protein forms E83Q.
Identifiers: ClinVar variation 1926377 (VCV001926377.2), dbSNP rs750682454, ClinGen allele CA7608559.
Genomic context (GRCh38, chr15:64,162,043, plus strand): 5'-CATCCCCAGTGCCAATTTCACTTCATGTGAGTTGACTACCCCTGCTCCAGCCACTTACCT[C>G]TCCTGTAGCTAAGGCCACAAAATTATCCACTGTTTTTGGAACAGTCTTTCCGAAGAGACC-3'
Protein context (NP_000933.1, residues 73-93): VDNFVALATG[Glu83Gln]KGFGYKNSKF